The following is an entry in ClinVar:

NM_001854.4(COL11A1):c.4137T>G (p.Ala1379=)

Gene: COL11A1 (collagen type XI alpha 1 chain; minus strand). Cytogenetic location: 1p21.1.
Variant type: single nucleotide variant.
Coding change: c.4137T>G on transcript NM_001854.4 (MANE Select); coding-DNA position 4137, T replaced by G.
Protein change: p.Ala1379=; no amino-acid change (alanine 1379 retained).
Molecular consequence: synonymous variant. On other transcripts: non-coding transcript variant (1).
Genome position (GRCh38, 1-based): chr1:102,898,944, A>C on the plus strand (T>G on the coding strand, the complement: COL11A1 is on the minus strand). VCF-style: chr1-102898944-A-C. GRCh37 (hg19) VCF-style: chr1-103364500-A-C.
Other names: c.4020T>G, p.Ala1340= (NM_001190709.2); c.4173T>G, p.Ala1391= (NM_080629.3); c.3789T>G, p.Ala1263= (NM_080630.4).
Identifiers: ClinVar variation 1370329 (VCV001370329.6), dbSNP rs2100925362, ClinGen allele CA419195851.

ClinVar aggregate classification (germline): Uncertain significance (1 of 4 stars; one submission).

Submission:

Labcorp Genetics (formerly Invitae), Labcorp
Classification: Uncertain significance. Last evaluated: 2021-08-09. Review status: criteria provided, single submitter. Criteria: Invitae Variant Classification Sherloc (09022015). Collection method: clinical testing. Allele origin: germline.
Comment: In summary, the available evidence is currently insufficient to determine the role of this variant in disease. Therefore, it has been classified as a Variant of Uncertain Significance. Algorithms developed to predict the effect of sequence changes on RNA splicing suggest that this variant may create or strengthen a splice site. This variant has not been reported in the literature in individuals affected with COL11A1-related conditions. This variant is not present in population databases (ExAC no frequency). This sequence change affects codon 1379 of the COL11A1 mRNA. It is a 'silent' change, meaning that it does not change the encoded amino acid sequence of the COL11A1 protein.